The following is an entry in ClinVar:

NM_005359.6(SMAD4):c.757T>C (p.Phe253Leu)

Gene: SMAD4 (SMAD family member 4; plus strand). Cytogenetic location: 18q21.2.
Variant type: single nucleotide variant.
Coding change: c.757T>C on transcript NM_005359.6 (MANE Select); coding-DNA position 757, T replaced by C.
Protein change: p.Phe253Leu; replaces phenylalanine 253 with leucine.
Molecular consequence: missense variant. On other transcripts: non-coding transcript variant (2).
Genome position (GRCh38, 1-based): chr18:51,058,214, T>C. VCF-style: chr18-51058214-T-C. GRCh37 (hg19) VCF-style: chr18-48584584-T-C.
Other names: c.757T>C, p.Phe253Leu (NM_001407041.1, NM_001407042.1, NM_001407043.1); short protein forms F253L.
Identifiers: ClinVar variation 3716017 (VCV003716017.2).

ClinVar aggregate classification (germline): Uncertain significance (1 of 4 stars; one submission).

Conditions:
Juvenile polyposis syndrome (JPS). Identifiers: Orphanet 2929, MedGen C0345893, MONDO:0017380, OMIM 174900.

Submission:

Labcorp Genetics (formerly Invitae), Labcorp
Classification: Uncertain significance for Juvenile polyposis syndrome. Last evaluated: 2024-03-03. Review status: criteria provided, single submitter. Criteria: Invitae Variant Classification Sherloc (09022015). Collection method: clinical testing. Allele origin: germline.
Comment: This sequence change replaces phenylalanine, which is neutral and non-polar, with leucine, which is neutral and non-polar, at codon 253 of the SMAD4 protein (p.Phe253Leu). This variant is not present in population databases (gnomAD no frequency). This variant has not been reported in the literature in individuals affected with SMAD4-related conditions. Advanced modeling of protein sequence and biophysical properties (such as structural, functional, and spatial information, amino acid conservation, physicochemical variation, residue mobility, and thermodynamic stability) performed at Invitae indicates that this missense variant is not expected to disrupt SMAD4 protein function with a negative predictive value of 95%. In summary, the available evidence is currently insufficient to determine the role of this variant in disease. Therefore, it has been classified as a Variant of Uncertain Significance.